The following is an entry in ClinVar:

NM_017849.4(TMEM127):c.17G>T (p.Gly6Val)

Genes: TMEM127 (transmembrane protein 127; minus strand), LOC129934333 (ATAC-STARR-seq lymphoblastoid silent region 11759; plus strand). Cytogenetic location: 2q11.2.
Variant type: single nucleotide variant.
Coding change: c.17G>T on transcript NM_017849.4 (MANE Select); coding-DNA position 17, G replaced by T.
Protein change: p.Gly6Val; replaces glycine 6 with valine.
Molecular consequence: missense variant.
Genome position (GRCh38, 1-based): chr2:96,265,365, C>A on the plus strand (G>T on the coding strand, the complement: TMEM127 is on the minus strand). VCF-style: chr2-96265365-C-A. GRCh37 (hg19) VCF-style: chr2-96931103-C-A.
Other names: c.17G>T, p.Gly6Val (NM_001193304.3); short protein forms G6V.
Identifiers: ClinVar variation 2413395 (VCV002413395.8), dbSNP rs2467286322, ClinGen allele CA347656322.

ClinVar aggregate classification (germline): Uncertain significance. Review status: criteria provided, multiple submitters, no conflicts (2 of 4 stars). 2 submissions from 2 submitters: Uncertain significance (2). Last evaluated 2024-10-09.

Conditions:
Hereditary pheochromocytoma and paraganglioma. Also called: Hereditary paragangliomas and pheochromocytomas; Hereditary Paraganglioma-Pheochromocytoma Syndromes; Hereditary pheochromocytoma-paraganglioma. Identifiers: Orphanet 29072, MedGen C4274332, MONDO:0017366.
Pheochromocytoma. Also called: MAX-Related Hereditary Paraganglioma-Pheochromocytoma Syndrome. Identifiers: Orphanet 29072, MedGen C0031511, MONDO:0008233, OMIM 171300, HP:0002666.

Submissions (2):

Labcorp Genetics (formerly Invitae), Labcorp
Classification: Uncertain significance for Hereditary pheochromocytoma and paraganglioma. Last evaluated: 2024-10-09. Review status: criteria provided, single submitter. Criteria: Invitae Variant Classification Sherloc (09022015). Collection method: clinical testing. Allele origin: germline.
Comment: This sequence change replaces glycine, which is neutral and non-polar, with valine, which is neutral and non-polar, at codon 6 of the TMEM127 protein (p.Gly6Val). This variant is not present in population databases (gnomAD no frequency). This variant has not been reported in the literature in individuals affected with TMEM127-related conditions. ClinVar contains an entry for this variant (Variation ID: 2413395). Experimental studies and prediction algorithms are not available or were not evaluated, and the functional significance of this variant is currently unknown. In summary, the available evidence is currently insufficient to determine the role of this variant in disease. Therefore, it has been classified as a Variant of Uncertain Significance.

Baylor Genetics
Classification: Uncertain significance for Pheochromocytoma. Last evaluated: 2024-02-26. Review status: criteria provided, single submitter. Criteria: ACMG Guidelines, 2015. Collection method: clinical testing. Allele origin: unknown.